The following is an entry in ClinVar:

NM_020821.3(VPS13C):c.2554A>G (p.Ile852Val)

Gene: VPS13C (vacuolar protein sorting 13 homolog C; minus strand). Cytogenetic location: 15q22.2.
Variant type: single nucleotide variant.
Coding change: c.2554A>G on transcript NM_020821.3 (MANE Select); coding-DNA position 2554, A replaced by G.
Protein change: p.Ile852Val; replaces isoleucine 852 with valine.
Molecular consequence: missense variant.
Genome position (GRCh38, 1-based): chr15:61,973,517, T>C on the plus strand (A>G on the coding strand, the complement: VPS13C is on the minus strand). VCF-style: chr15-61973517-T-C. GRCh37 (hg19) VCF-style: chr15-62265716-T-C.
Other names: c.2425A>G, p.Ile809Val (NM_017684.5, NM_018080.4); c.2554A>G, p.Ile852Val (NM_001018088.3); short protein forms I852V, I809V.
Identifiers: ClinVar variation 1463253 (VCV001463253.8), dbSNP rs1458585112, ClinGen allele CA392677036.

ClinVar aggregate classification (germline): Uncertain significance (1 of 4 stars; one submission).

Allele frequency attached by ClinVar (database versions not stated): gnomAD 0.00001; TOPMed 0.00001.
gnomAD v4.1: 3 of 1,612,382 alleles (0.00019%); highest among the groups gnomAD compares: African/African-American, 0.0027%; no homozygotes.

Submission:

Labcorp Genetics (formerly Invitae), Labcorp
Classification: Uncertain significance. Last evaluated: 2021-04-30. Review status: criteria provided, single submitter. Criteria: Invitae Variant Classification Sherloc (09022015). Collection method: clinical testing. Allele origin: germline.
Comment: This variant has not been reported in the literature in individuals with VPS13C-related conditions. This variant is not present in population databases (ExAC no frequency). This sequence change replaces isoleucine with valine at codon 852 of the VPS13C protein (p.Ile852Val). The isoleucine residue is weakly conserved and there is a small physicochemical difference between isoleucine and valine. Algorithms developed to predict the effect of missense changes on protein structure and function output the following: SIFT: "Tolerated"; PolyPhen-2: "Benign"; Align-GVGD: "Class C0". The valine amino acid residue is found in multiple mammalian species, suggesting that this missense change does not adversely affect protein function. These predictions have not been confirmed by published functional studies and their clinical significance is uncertain. In summary, the available evidence is currently insufficient to determine the role of this variant in disease. Therefore, it has been classified as a Variant of Uncertain Significance.